The following is an entry in ClinVar:

ClinVar aggregate classification (germline): Pathogenic (1 of 4 stars; one submission).

Conditions:
Familial adenomatous polyposis 1 (FAP1). Also called: FAMILIAL ADENOMATOUS POLYPOSIS 1, ATTENUATED; POLYPOSIS, ADENOMATOUS INTESTINAL. Identifiers: MedGen C2713442, MONDO:0021056, OMIM 175100. Disease mechanism: loss of function.

Submission:

Myriad Genetics, Inc.
Classification: Pathogenic for Familial adenomatous polyposis 1. Last evaluated: 2023-05-04. Review status: criteria provided, single submitter. Criteria: Myriad Autosomal Dominant, Autosomal Recessive and X-Linked Classification Criteria (2023). Collection method: clinical testing. Allele origin: unknown.
Comment: This variant is considered pathogenic. This variant creates a frameshift predicted to result in premature protein truncation.

NM_000038.6(APC):c.2275_2282del (p.Ala759fs)

Gene: APC (APC regulator of Wnt signaling pathway; plus strand). Cytogenetic location: 5q22.2.
Variant type: Deletion.
Coding change: c.2275_2282del on transcript NM_000038.6 (MANE Select); coding-DNA positions 2275 to 2282, 8 bases deleted (GCCCTAGA; older notation c.2275_2282delGCCCTAGA).
Protein change: p.Ala759fs; shifts the reading frame from alanine 759.
Molecular consequence: frameshift variant. On other transcripts: non-coding transcript variant (2).
Genome position (GRCh38, 1-based): chr5:112,837,869-112,837,876, GCCCTAGA deleted; deleting any 8 consecutive bases within chr5:112,837,868-112,837,876 gives the same sequence; the c. name uses the placement nearest the transcript's 3' end. VCF-style (leftmost placement, unchanged base first): chr5-112837867-AAGCCCTAG-A. GRCh37 (hg19) VCF-style: chr5-112173564-AAGCCCTAG-A.
Other names: c.2275_2282del, p.Ala759fs (NM_001127510.3, NM_001354895.2, NM_001407450.1); c.2221_2228del, p.Ala741fs (NM_001127511.3); c.2329_2336del, p.Ala777fs (NM_001354896.2, NM_001407447.1, NM_001407448.1 and 1 more transcripts); c.2305_2312del, p.Ala769fs (NM_001354897.2); c.2200_2207del, p.Ala734fs (NM_001354898.2); c.2191_2198del, p.Ala731fs (NM_001354899.2); c.2152_2159del, p.Ala718fs (NM_001354900.2); c.2098_2105del, p.Ala700fs (NM_001354901.2, NM_001407453.1); and 11 more; short protein forms A375fs, A476fs, A599fs, A630fs, A633fs, A658fs, A668fs, A676fs.
Identifiers: ClinVar variation 2583957 (VCV002583957.2), dbSNP rs2533409246, ClinGen allele CA2582341447.